The following is an entry in ClinVar:

NM_144687.4(NLRP12):c.155_172dup (p.Ala57_Gln58insArgProLeuGluMetAla)

Gene: NLRP12 (NLR family pyrin domain containing 12; minus strand). Cytogenetic location: 19q13.42.
Variant type: Duplication.
Coding change: c.155_172dup on transcript NM_144687.4 (MANE Select); coding-DNA positions 155 to 172, 18 bases duplicated (GTCCCCTGGAAATGGCCC).
Protein change: p.Ala57_Gln58insArgProLeuGluMetAla.
Genome position (GRCh38, 1-based): chr19:53,824,003-53,824,020, GGGCCATTTCCAGGGGAC duplicated on the plus strand (GTCCCCTGGAAATGGCCC on the coding strand, the reverse complement: NLRP12 is on the minus strand). VCF-style (leftmost placement, unchanged base first): chr19-53824002-T-TGGGCCATTTCCAGGGGAC. GRCh37 (hg19) VCF-style: chr19-54327256-T-TGGGCCATTTCCAGGGGAC.
Other names: c.155_172dup, p.Ala57_Gln58insArgProLeuGluMetAla (NM_001277126.2, NM_001277129.1).
Identifiers: ClinVar variation 3686055 (VCV003686055.2).

ClinVar aggregate classification (germline): Uncertain significance (1 of 4 stars; one submission).

Conditions:
Familial cold autoinflammatory syndrome 2 (FCAS2). Identifiers: Orphanet 247868, MedGen C2673198, MONDO:0012724, OMIM 611762.

Submission:

Labcorp Genetics (formerly Invitae), Labcorp
Classification: Uncertain significance for Familial cold autoinflammatory syndrome 2. Last evaluated: 2025-05-04. Review status: criteria provided, single submitter. Criteria: Invitae Variant Classification Sherloc (09022015). Collection method: clinical testing. Allele origin: germline.
Comment: This variant, c.155_172dup, results in the insertion of 6 amino acid(s) of the NLRP12 protein (p.Ala57_Gln58insArgProLeuGluMetAla), but otherwise preserves the integrity of the reading frame. This variant is present in population databases (no rsID available, gnomAD 0.0009%). This variant has not been reported in the literature in individuals affected with NLRP12-related conditions. ClinVar contains an entry for this variant (Variation ID: 3686055). In summary, the available evidence is currently insufficient to determine the role of this variant in disease. Therefore, it has been classified as a Variant of Uncertain Significance.